The following is an entry in ClinVar:

ClinVar aggregate classification (germline): Uncertain significance (1 of 4 stars; one submission).

Allele frequency attached by ClinVar (database versions not stated): gnomAD 0.00001.
gnomAD v4.1: 12 of 1,613,728 alleles (0.00074%); highest among the groups gnomAD compares: Non-Finnish European, 0.001%; no homozygotes.

Submission:

Labcorp Genetics (formerly Invitae), Labcorp
Classification: Uncertain significance. Last evaluated: 2023-12-10. Review status: criteria provided, single submitter. Criteria: Invitae Variant Classification Sherloc (09022015). Collection method: clinical testing. Allele origin: germline.
Comment: This sequence change replaces isoleucine, which is neutral and non-polar, with methionine, which is neutral and non-polar, at codon 154 of the RIPK1 protein (p.Ile154Met). This variant is present in population databases (no rsID available, gnomAD 0.0009%). This variant has not been reported in the literature in individuals affected with RIPK1-related conditions. ClinVar contains an entry for this variant (Variation ID: 1497487). An algorithm developed to predict the effect of missense changes on protein structure and function (PolyPhen-2) suggests that this variant is likely to be disruptive. In summary, the available evidence is currently insufficient to determine the role of this variant in disease. Therefore, it has been classified as a Variant of Uncertain Significance.

NM_001354930.2(RIPK1):c.462C>G (p.Ile154Met)

Gene: RIPK1 (receptor interacting serine/threonine kinase 1; plus strand). Cytogenetic location: 6p25.2.
Variant type: single nucleotide variant.
Coding change: c.462C>G on transcript NM_001354930.2 (MANE Select); coding-DNA position 462, C replaced by G.
Protein change: p.Ile154Met; replaces isoleucine 154 with methionine.
Molecular consequence: missense variant. On other transcripts: 5 prime UTR variant (4).
Genome position (GRCh38, 1-based): chr6:3,083,087, C>G. VCF-style: chr6-3083087-C-G. GRCh37 (hg19) VCF-style: chr6-3083321-C-G.
Other names: c.-28C>G (NM_001317061.3, NM_001354932.2, NM_001354933.2 and 1 more transcripts); c.324C>G, p.Ile108Met (NM_001354931.2); c.462C>G, p.Ile154Met (NM_003804.6); short protein forms I108M, I154M.
Identifiers: ClinVar variation 1497487 (VCV001497487.8), dbSNP rs768727316, ClinGen allele CA133476636.